The following is an entry in ClinVar:

ClinVar aggregate classification (germline): Uncertain significance. Review status: criteria provided, multiple submitters, no conflicts (2 of 4 stars). 4 submissions from 4 submitters: Uncertain significance (4). Last evaluated 2024-02-16.

Conditions:
Neonatal diabetes mellitus with congenital hypothyroidism. Also called: NDH SYNDROME. Identifiers: Orphanet 79118, MedGen C1857775, MONDO:0012436, OMIM 610199.

Allele frequency attached by ClinVar (database versions not stated): gnomAD exomes 0.00007 and 0.00012; ExAC 0.00009; TOPMed 0.00011; gnomAD 0.00014 and 0.00015; 1000 Genomes Project 0.00020; 1000 Genomes Project 30x 0.00031.
gnomAD v4.1: 203 of 1,590,964 alleles (0.013%); highest among the groups gnomAD compares: Non-Finnish European, 0.016%; no homozygotes.

Submissions (4):

Fulgent Genetics
Classification: Uncertain significance for Neonatal diabetes mellitus with congenital hypothyroidism. Last evaluated: 2024-02-16. Review status: criteria provided, single submitter. Criteria: ACMG Guidelines, 2015. Collection method: clinical testing. Allele origin: germline.

GeneDx
Classification: Uncertain significance. Last evaluated: 2023-03-08. Review status: criteria provided, single submitter. Criteria: GeneDx Variant Classification Process June 2021. Collection method: clinical testing. Allele origin: germline. Affected: yes.
Comment: In silico analysis supports that this missense variant does not alter protein structure/function; Has not been previously published as pathogenic or benign to our knowledge

Labcorp Genetics (formerly Invitae), Labcorp
Classification: Uncertain significance. Last evaluated: 2022-08-19. Review status: criteria provided, single submitter. Criteria: Invitae Variant Classification Sherloc (09022015). Collection method: clinical testing. Allele origin: germline.
Comment: In summary, the available evidence is currently insufficient to determine the role of this variant in disease. Therefore, it has been classified as a Variant of Uncertain Significance. Algorithms developed to predict the effect of missense changes on protein structure and function are either unavailable or do not agree on the potential impact of this missense change (SIFT: "Deleterious"; PolyPhen-2: "Benign"; Align-GVGD: "Class C65"). ClinVar contains an entry for this variant (Variation ID: 913287). This variant has not been reported in the literature in individuals affected with GLIS3-related conditions. This variant is present in population databases (rs534295783, gnomAD 0.02%). This sequence change replaces asparagine, which is neutral and polar, with lysine, which is basic and polar, at codon 254 of the GLIS3 protein (p.Asn254Lys).

Illumina Laboratory Services, Illumina
Classification: Uncertain significance for Neonatal diabetes mellitus with congenital hypothyroidism. Last evaluated: 2018-01-13. Review status: criteria provided, single submitter. Criteria: ICSL Variant Classification Criteria 13 December 2019. Collection method: clinical testing. Allele origin: germline.

NM_001042413.2(GLIS3):c.1227C>A (p.Asn409Lys)

Gene: GLIS3 (GLIS family zinc finger 3; minus strand). Cytogenetic location: 9p24.2.
Variant type: single nucleotide variant.
Coding change: c.1227C>A on transcript NM_001042413.2 (MANE Select); coding-DNA position 1227, C replaced by A.
Protein change: p.Asn409Lys; replaces asparagine 409 with lysine.
Molecular consequence: missense variant.
Genome position (GRCh38, 1-based): chr9:4,118,251, G>T on the plus strand (C>A on the coding strand, the complement: GLIS3 is on the minus strand). VCF-style: chr9-4118251-G-T. GRCh37 (hg19) VCF-style: chr9-4118251-G-T.
Other names: c.762C>A (NM_152629.3); c.762C>A, p.Asn254Lys (NM_152629.4); short protein forms N254K, N409K.
Identifiers: ClinVar variation 913287 (VCV000913287.12), dbSNP rs534295783, ClinGen allele CA4968267.
Genomic context (GRCh38, chr9:4,118,251, plus strand): 5'-CTTGAACAGGCCGGCCGACTGGCTGTCGGGGCCCGGCAGGCCATGCTGCACCACCATGTG[G>T]TTGACCAGGCCTGGCTGCAGGCCGCCGTGCTCCAGCTGTTGCATGCGCTCGTGCTCCAGG-3'
Protein context (NP_001035878.1, residues 399-419): EHGGLQPGLV[Asn409Lys]HMVVQHGLPG